The following is an entry in ClinVar:

NM_001039660.2(IL18BP):c.19T>C (p.Trp7Arg)

Gene: IL18BP (interleukin 18 binding protein; plus strand). Cytogenetic location: 11q13.4.
Variant type: single nucleotide variant.
Coding change: c.19T>C on transcript NM_001039660.2 (MANE Select); coding-DNA position 19, T replaced by C.
Protein change: p.Trp7Arg; replaces tryptophan 7 with arginine.
Molecular consequence: missense variant.
Genome position (GRCh38, 1-based): chr11:72,000,003, T>C. VCF-style: chr11-72000003-T-C. GRCh37 (hg19) VCF-style: chr11-71711049-T-C.
Other names: c.19T>C, p.Trp7Arg (NM_001039659.2, NM_001145055.1, NM_001145057.1 and 3 more transcripts); short protein forms W7R.
Identifiers: ClinVar variation 3712155 (VCV003712155.3).
Genomic context (GRCh38, chr11:72,000,003, plus strand): 5'-ACAGATAAAGAGCCAGGCTCACCAGCTCCTGACGCATGCATCATGACCATGAGACACAAC[T>C]GGACACCAGGTAGGCCTTGGGGCTACGCATGGGCAGGCGGGGTAGGGTGAGGTCTATGAA-3'
Protein context (NP_001034749.1, residues 1-17): MTMRHN[Trp7Arg]TPDLSPLWVL

ClinVar aggregate classification (germline): Uncertain significance. Review status: criteria provided, multiple submitters, no conflicts (2 of 4 stars). 2 submissions from 2 submitters: Uncertain significance (2). Last evaluated 2025-10-29.

gnomAD v4.1: 163 of 1,613,756 alleles (0.01%); highest among the groups gnomAD compares: Non-Finnish European, 0.013%; no homozygotes.

Submissions (2):

Labcorp Genetics (formerly Invitae), Labcorp
Classification: Uncertain significance. Last evaluated: 2025-10-29. Review status: criteria provided, single submitter. Criteria: Invitae Variant Classification Sherloc (09022015). Collection method: clinical testing. Allele origin: germline.
Comment: This sequence change replaces tryptophan, which is neutral and slightly polar, with arginine, which is basic and polar, at codon 7 of the IL18BP protein (p.Trp7Arg). This variant is present in population databases (rs373223475, gnomAD 0.006%). This variant has not been reported in the literature in individuals affected with IL18BP-related conditions. ClinVar contains an entry for this variant (Variation ID: 3712155). An algorithm developed to predict the effect of missense changes on protein structure and function outputs the following: PolyPhen-2: "Benign". The arginine amino acid residue is found in multiple mammalian species, which suggests that this missense change does not adversely affect protein function. In summary, the available evidence is currently insufficient to determine the role of this variant in disease. Therefore, it has been classified as a Variant of Uncertain Significance.

Ambry Genetics
Classification: Uncertain significance. Last evaluated: 2025-03-06. Review status: criteria provided, single submitter. Criteria: Ambry Variant Classification Scheme 2023. Collection method: clinical testing. Allele origin: germline.